The following is an entry in ClinVar:

ClinVar aggregate classification (germline): Uncertain significance. Review status: criteria provided, multiple submitters, no conflicts (2 of 4 stars). 3 submissions from 3 submitters: Uncertain significance (3). Last evaluated 2024-12-17.

Conditions:
Inborn genetic diseases. Identifiers: MedGen C0950123, MeSH D030342.
ADGRV1-related disorder. Also called: ADGRV1-related condition; ADGRV1-related disorders.

Allele frequency attached by ClinVar (database versions not stated): gnomAD 0.00001; gnomAD exomes 0.00001; TOPMed 0.00002.
gnomAD v4.1: 12 of 1,576,582 alleles (0.00076%); highest among the groups gnomAD compares: Admixed American, 0.0036%; no homozygotes.

Submissions (3):

PreventionGenetics, part of Exact Sciences
Classification: Uncertain significance for ADGRV1-related condition. Last evaluated: 2024-12-17. Review status: criteria provided, single submitter. Criteria: ACMG Guidelines, 2015. Collection method: clinical testing. Allele origin: germline.
Comment: The ADGRV1 c.17519A>G variant is predicted to result in the amino acid substitution p.Tyr5840Cys. To our knowledge, this variant has not been reported in the literature. This variant is reported in 0.0040% of alleles in individuals of South Asian descent in gnomAD. At this time, the clinical significance of this variant is uncertain due to the absence of conclusive functional and genetic evidence.

Ambry Genetics
Classification: Uncertain significance for Inborn genetic diseases. Last evaluated: 2023-01-10. Review status: criteria provided, single submitter. Criteria: Ambry Variant Classification Scheme 2023. Collection method: clinical testing. Allele origin: germline.

Labcorp Genetics (formerly Invitae), Labcorp
Classification: Uncertain significance. Last evaluated: 2022-04-20. Review status: criteria provided, single submitter. Criteria: Invitae Variant Classification Sherloc (09022015). Collection method: clinical testing. Allele origin: germline.
Comment: This sequence change replaces tyrosine, which is neutral and polar, with cysteine, which is neutral and slightly polar, at codon 5840 of the ADGRV1 protein (p.Tyr5840Cys). The frequency data for this variant in the population databases is considered unreliable, as metrics indicate poor data quality at this position in the gnomAD database. This variant has not been reported in the literature in individuals affected with ADGRV1-related conditions. Algorithms developed to predict the effect of missense changes on protein structure and function are either unavailable or do not agree on the potential impact of this missense change (SIFT: "Deleterious"; PolyPhen-2: "Probably Damaging"; Align-GVGD: "Class C0"). In summary, the available evidence is currently insufficient to determine the role of this variant in disease. Therefore, it has been classified as a Variant of Uncertain Significance.

NM_032119.4(ADGRV1):c.17519A>G (p.Tyr5840Cys)

Gene: ADGRV1 (adhesion G protein-coupled receptor V1; plus strand). Cytogenetic location: 5q14.3.
Variant type: single nucleotide variant.
Coding change: c.17519A>G on transcript NM_032119.4 (MANE Select); coding-DNA position 17519, A replaced by G.
Protein change: p.Tyr5840Cys; replaces tyrosine 5840 with cysteine.
Molecular consequence: missense variant. On other transcripts: non-coding transcript variant (1).
Genome position (GRCh38, 1-based): chr5:90,854,126, A>G. VCF-style: chr5-90854126-A-G. GRCh37 (hg19) VCF-style: chr5-90149943-A-G.
Other names: c.17519A>G (NM_032119.3); short protein forms Y5840C.
Identifiers: ClinVar variation 2116907 (VCV002116907.4), dbSNP rs1028102425, ClinGen allele CA122810117.